The following is an entry in ClinVar:

NM_005585.5(SMAD6):c.338C>A (p.Pro113Gln)

Gene: SMAD6 (SMAD family member 6; plus strand). Cytogenetic location: 15q22.31.
Variant type: single nucleotide variant.
Coding change: c.338C>A on transcript NM_005585.5 (MANE Select); coding-DNA position 338, C replaced by A.
Protein change: p.Pro113Gln; replaces proline 113 with glutamine.
Molecular consequence: missense variant. On other transcripts: non-coding transcript variant (1).
Genome position (GRCh38, 1-based): chr15:66,703,596, C>A. VCF-style: chr15-66703596-C-A. GRCh37 (hg19) VCF-style: chr15-66995934-C-A.
Other names: short protein forms P113Q.
Identifiers: ClinVar variation 1730882 (VCV001730882.3), dbSNP rs1322032924, ClinGen allele CA392949325.

ClinVar aggregate classification (germline): Uncertain significance (1 of 4 stars; one submission).

Conditions:
Inborn genetic diseases. Identifiers: MedGen C0950123, MeSH D030342.

Submission:

Ambry Genetics
Classification: Uncertain significance for Inborn genetic diseases. Last evaluated: 2024-10-22. Review status: criteria provided, single submitter. Criteria: Ambry Variant Classification Scheme 2023. Collection method: clinical testing. Allele origin: germline.
Comment: The p.P113Q variant (also known as c.338C>A), located in coding exon 1 of the SMAD6 gene, results from a C to A substitution at nucleotide position 338. The proline at codon 113 is replaced by glutamine, an amino acid with similar properties. This amino acid position is conserved. In addition, this alteration is predicted to be tolerated by in silico analysis. Since supporting evidence is limited at this time, the clinical significance of this alteration remains unclear.